The following is an entry in ClinVar:

ClinVar aggregate classification (germline): Uncertain significance (1 of 4 stars; one submission).

Allele frequency attached by ClinVar (database versions not stated): gnomAD exomes below 0.00001; ExAC 0.00001.
gnomAD v4.1: 4 of 1,614,090 alleles (0.00025%); highest among the groups gnomAD compares: Admixed American, 0.0033%; no homozygotes.

Submission:

Labcorp Genetics (formerly Invitae), Labcorp
Classification: Uncertain significance. Last evaluated: 2022-11-29. Review status: criteria provided, single submitter. Criteria: Invitae Variant Classification Sherloc (09022015). Collection method: clinical testing. Allele origin: germline.
Comment: In summary, the available evidence is currently insufficient to determine the role of this variant in disease. Therefore, it has been classified as a Variant of Uncertain Significance. Advanced modeling of protein sequence and biophysical properties (such as structural, functional, and spatial information, amino acid conservation, physicochemical variation, residue mobility, and thermodynamic stability) performed at Invitae indicates that this missense variant is not expected to disrupt MTTP protein function. ClinVar contains an entry for this variant (Variation ID: 1416980). This variant has not been reported in the literature in individuals affected with MTTP-related conditions. This variant is present in population databases (rs757879019, gnomAD 0.003%). This sequence change replaces histidine, which is basic and polar, with tyrosine, which is neutral and polar, at codon 871 of the MTTP protein (p.His871Tyr).

NM_001386140.1(MTTP):c.2611C>T (p.His871Tyr)

Gene: MTTP (microsomal triglyceride transfer protein; plus strand). Cytogenetic location: 4q23.
Variant type: single nucleotide variant.
Coding change: c.2611C>T on transcript NM_001386140.1 (MANE Select); coding-DNA position 2611, C replaced by T.
Protein change: p.His871Tyr; replaces histidine 871 with tyrosine.
Molecular consequence: missense variant.
Genome position (GRCh38, 1-based): chr4:99,622,774, C>T. VCF-style: chr4-99622774-C-T. GRCh37 (hg19) VCF-style: chr4-100543931-C-T.
Other names: c.2611C>T, p.His871Tyr (NM_000253.4); c.2362C>T, p.His788Tyr (NM_001300785.2); short protein forms H788Y, H871Y.
Identifiers: ClinVar variation 1416980 (VCV001416980.8), dbSNP rs757879019, ClinGen allele CA3022414.